The following is an entry in ClinVar:

NM_001943.5(DSG2):c.2643_2651del (p.Tyr882_Ser884del)

Genes: DSG2 (desmoglein 2; plus strand), DSG2-AS1 (DSG2 antisense RNA 1; minus strand). Cytogenetic location: 18q12.1.
Variant type: Deletion.
Coding change: c.2643_2651del on transcript NM_001943.5 (MANE Select); coding-DNA positions 2643 to 2651, 9 bases deleted (CTACTCCTC; older notation c.2643_2651delCTACTCCTC).
Protein change: p.Tyr882_Ser884del.
Genome position (GRCh38, 1-based): chr18:31,546,029-31,546,037, CTACTCCTC deleted; deleting any 9 consecutive bases within chr18:31,546,028-31,546,037 gives the same sequence; the c. name uses the placement nearest the transcript's 3' end. VCF-style (leftmost placement, unchanged base first): chr18-31546027-ACCTACTCCT-A. GRCh37 (hg19) VCF-style: chr18-29125990-ACCTACTCCT-A.
Identifiers: ClinVar variation 4810271 (VCV004810271.1).

ClinVar aggregate classification (germline): Uncertain significance (1 of 4 stars; one submission).

Conditions:
Arrhythmogenic right ventricular dysplasia 10. Also called: Arrhythmogenic Right Ventricular Dysplasia/Cardiomyopathy10; ARRHYTHMOGENIC RIGHT VENTRICULAR DYSPLASIA, FAMILIAL, 10; Arrhythmogenic right ventricular dysplasia/cardiomyopathy, type 10. Identifiers: MedGen C1857777, MONDO:0012434, OMIM 610193.

Submission:

Labcorp Genetics (formerly Invitae), Labcorp
Classification: Uncertain significance for Arrhythmogenic right ventricular dysplasia 10. Last evaluated: 2025-02-23. Review status: criteria provided, single submitter. Criteria: Invitae Variant Classification Sherloc (09022015). Collection method: clinical testing. Allele origin: germline.
Comment: This variant, c.2643_2651del, results in the deletion of 3 amino acid(s) of the DSG2 protein (p.Tyr882_Ser884del), but otherwise preserves the integrity of the reading frame. This variant is not present in population databases (gnomAD no frequency). This variant has not been reported in the literature in individuals affected with DSG2-related conditions. Experimental studies and prediction algorithms are not available or were not evaluated, and the functional significance of this variant is currently unknown. In summary, the available evidence is currently insufficient to determine the role of this variant in disease. Therefore, it has been classified as a Variant of Uncertain Significance.